The following is an entry in ClinVar:

NM_001540.5(HSPB1):c.180del (p.Ala61fs)

Gene: HSPB1 (heat shock protein family B (small) member 1; plus strand). Cytogenetic location: 7q11.23.
Variant type: Deletion.
Coding change: c.180del on transcript NM_001540.5 (MANE Select); coding-DNA position 180, one base deleted (C; older notation c.180delC).
Protein change: p.Ala61fs; shifts the reading frame from alanine 61.
Molecular consequence: frameshift variant.
Genome position (GRCh38, 1-based): chr7:76,302,892, C deleted; the last of 6 consecutive C bases (chr7:76,302,887-76,302,892); deleting any one gives the same sequence. VCF-style (leftmost placement, unchanged base first): chr7-76302886-GC-G. GRCh37 (hg19) VCF-style: chr7-75932203-GC-G.
Other names: short protein forms A61fs.
Identifiers: ClinVar variation 1415867 (VCV001415867.6), dbSNP rs1064796370, ClinGen allele CA2573142363.

ClinVar aggregate classification (germline): Uncertain significance (1 of 4 stars; one submission).

Conditions:
Charcot-Marie-Tooth disease axonal type 2F (CMT2F). Also called: CHARCOT-MARIE-TOOTH DISEASE, NEURONAL, TYPE 2F; Charcot-Marie-Tooth Neuropathy Type 2F. Identifiers: Orphanet 99940, MedGen C1847823, MONDO:0011687, OMIM 606595.

Submission:

Labcorp Genetics (formerly Invitae), Labcorp
Classification: Uncertain significance for Charcot-Marie-Tooth disease axonal type 2F. Last evaluated: 2025-04-14. Review status: criteria provided, single submitter. Criteria: Invitae Variant Classification Sherloc (09022015). Collection method: clinical testing. Allele origin: germline.
Comment: This sequence change creates a premature translational stop signal (p.Ala61Profs*49) in the HSPB1 gene. It is expected to result in an absent or disrupted protein product. However, the current clinical and genetic evidence is not sufficient to establish whether loss-of-function variants in HSPB1 cause disease. This variant is not present in population databases (gnomAD no frequency). This variant has not been reported in the literature in individuals affected with HSPB1-related conditions. ClinVar contains an entry for this variant (Variation ID: 1415867). In summary, the available evidence is currently insufficient to determine the role of this variant in disease. Therefore, it has been classified as a Variant of Uncertain Significance.